The following is an entry in ClinVar:

ClinVar aggregate classification (germline): Uncertain significance. Review status: criteria provided, multiple submitters, no conflicts (2 of 4 stars). 3 submissions from 3 submitters: Uncertain significance (3). Last evaluated 2025-08-14.

Conditions:
EP300-related disorder. Also called: EP300-related disorders; EP300-related condition.
Inborn genetic diseases. Identifiers: MedGen C0950123, MeSH D030342.

Allele frequency attached by ClinVar (database versions not stated): gnomAD exomes below 0.00001 and 0.00001; TOPMed below 0.00001.
gnomAD v4.1: 14 of 1,613,968 alleles (0.00087%); highest among the groups gnomAD compares: Non-Finnish European, 0.0012%; no homozygotes.

Submissions (3):

Ambry Genetics
Classification: Uncertain significance for Inborn genetic diseases. Last evaluated: 2025-08-14. Review status: criteria provided, single submitter. Criteria: Ambry Variant Classification Scheme 2023. Collection method: clinical testing. Allele origin: germline.

PreventionGenetics, part of Exact Sciences
Classification: Uncertain significance for EP300-related condition. Last evaluated: 2025-03-13. Review status: criteria provided, single submitter. Criteria: ACMG Guidelines, 2015. Collection method: clinical testing. Allele origin: germline.
Comment: The EP300 c.6389T>C variant is predicted to result in the amino acid substitution p.Met2130Thr. To our knowledge, this variant has not been reported in the literature. This variant is reported in 0.00088% of alleles in individuals of European (Non-Finnish) descent in gnomAD. At this time, the clinical significance of this variant is uncertain due to the absence of conclusive functional and genetic evidence.

CeGaT Center for Human Genetics Tuebingen
Classification: Uncertain significance. Last evaluated: 2019-06-01. Review status: criteria provided, single submitter. Criteria: CeGaT Center For Human Genetics Tuebingen Variant Classification Criteria Version 2. Collection method: clinical testing. Allele origin: germline. Affected: yes. Observed: 2 variant alleles.

NM_001429.4(EP300):c.6389T>C (p.Met2130Thr)

Gene: EP300 (EP300 lysine acetyltransferase; plus strand). Cytogenetic location: 22q13.2.
Variant type: single nucleotide variant.
Coding change: c.6389T>C on transcript NM_001429.4 (MANE Select); coding-DNA position 6389, T replaced by C.
Protein change: p.Met2130Thr; replaces methionine 2130 with threonine.
Molecular consequence: missense variant.
Genome position (GRCh38, 1-based): chr22:41,178,100, T>C. VCF-style: chr22-41178100-T-C. GRCh37 (hg19) VCF-style: chr22-41574104-T-C.
Other names: c.6389T>C (NM_001429.3); c.6311T>C, p.Met2104Thr (NM_001362843.2); short protein forms M2104T, M2130T.
Identifiers: ClinVar variation 809373 (VCV000809373.44), dbSNP rs1299853803, ClinGen allele CA411681857.